The following is an entry in ClinVar:

NM_000019.4(ACAT1):c.163T>A (p.Phe55Ile)

Gene: ACAT1 (acetyl-CoA acetyltransferase 1; plus strand). Cytogenetic location: 11q22.3.
Variant type: single nucleotide variant.
Coding change: c.163T>A on transcript NM_000019.4 (MANE Select); coding-DNA position 163, T replaced by A.
Protein change: p.Phe55Ile; replaces phenylalanine 55 with isoleucine.
Molecular consequence: missense variant. On other transcripts: 5 prime UTR variant (10), non-coding transcript variant (2), intron variant (1).
Genome position (GRCh38, 1-based): chr11:108,133,862, T>A. VCF-style: chr11-108133862-T-A. GRCh37 (hg19) VCF-style: chr11-108004589-T-A.
Other names: c.163T>A, p.Phe55Ile (NM_001386677.1); c.-115T>A (NM_001386679.1); c.-108T>A (NM_001386681.1, NM_001386682.1, NM_001386685.1 and 6 more transcripts); c.120+1908T>A (NM_001386678.1); short protein forms F55I.
Identifiers: ClinVar variation 2883049 (VCV002883049.5), dbSNP rs1268424543, ClinGen allele CA382506286.

ClinVar aggregate classification (germline): Conflicting classifications of pathogenicity. Review status: criteria provided, conflicting classifications (1 of 4 stars). 3 submissions from 3 submitters: Pathogenic (1); Likely pathogenic (1); Uncertain significance (1). Last evaluated 2026-07-24.

Conditions:
Deficiency of acetyl-CoA acetyltransferase. Also called: 3-KETOTHIOLASE DEFICIENCY; 3-OXOTHIOLASE DEFICIENCY; Beta-ketothiolase deficiency; MITOCHONDRIAL ACETOACETYL-CoA THIOLASE DEFICIENCY. Identifiers: Orphanet 134, MedGen C1536500, MONDO:0008760, OMIM 203750. Disease mechanism: loss of function.

Allele frequency attached by ClinVar (database versions not stated): gnomAD exomes below 0.00001; TOPMed below 0.00001; gnomAD 0.00001.
gnomAD v4.1: 2 of 1,614,006 alleles (0.00012%); highest among the groups gnomAD compares: East Asian, 0.0045%; no homozygotes.

Submissions (3):

Myriad Genetics, Inc.
Classification: Uncertain significance for Deficiency of acetyl-CoA acetyltransferase. Last evaluated: 2026-07-24. Review status: criteria provided, single submitter. Criteria: Myriad Autosomal Dominant, Autosomal Recessive and X-Linked Classification Criteria (2023). Collection method: clinical testing. Allele origin: unknown.
Comment: NM_000019.3(ACAT1):c.163T>A(F55I) is a missense variant classified as a variant of uncertain significance in the context of beta-ketothiolase deficiency. F55I has been observed in a case with relevant disease (PMID: 34001203). Relevant functional assessments of this variant are not available in the literature. F55I has been observed in referenced population frequency databases. In summary, there is insufficient evidence to classify NM_000019.3(ACAT1):c.163T>A(F55I) as pathogenic or benign. Please note: this variant was assessed in the context of healthy population screening.

Labcorp Genetics (formerly Invitae), Labcorp
Classification: Pathogenic for Deficiency of acetyl-CoA acetyltransferase. Last evaluated: 2023-11-21. Review status: criteria provided, single submitter. Criteria: Invitae Variant Classification Sherloc (09022015). Collection method: clinical testing. Allele origin: germline.
Comment: This sequence change replaces phenylalanine, which is neutral and non-polar, with isoleucine, which is neutral and non-polar, at codon 55 of the ACAT1 protein (p.Phe55Ile). This variant is present in population databases (no rsID available, gnomAD 0.01%). This missense change has been observed in individual(s) with beta-ketothiolase deficiency (PMID: 34001203). In at least one individual the data is consistent with being in trans (on the opposite chromosome) from a pathogenic variant. Advanced modeling of protein sequence and biophysical properties (such as structural, functional, and spatial information, amino acid conservation, physicochemical variation, residue mobility, and thermodynamic stability) performed at Invitae indicates that this missense variant is expected to disrupt ACAT1 protein function with a positive predictive value of 95%. For these reasons, this variant has been classified as Pathogenic.

Juno Genomics, Hangzhou Juno Genomics, Inc
Classification: Likely pathogenic for Deficiency of acetyl-CoA acetyltransferase. Review status: criteria provided, single submitter. Criteria: ACMG Guidelines, 2015. Collection method: clinical testing. Allele origin: germline.
Comment: Absent from controls (or at extremely low frequency if recessive) in Genome Aggregation Database.;Multiple lines of computational evidence support a deleterious effect on the gene or gene product.;For recessive disorders, detected in trans with a pathogenic variant.;Patient's phenotype or family history is highly specific for a disease with a single genetic etiology.

Literature cited by the submitters: PubMed 34001203 (cited by Myriad Genetics, Inc. and Labcorp Genetics (formerly Invitae), Labcorp).